The following is an entry in ClinVar:

ClinVar aggregate classification (germline): Uncertain significance (1 of 4 stars; one submission).

Allele frequency attached by ClinVar (database versions not stated): gnomAD exomes 0.00001.
gnomAD v4.1: 12 of 1,614,028 alleles (0.00074%); highest among the groups gnomAD compares: Non-Finnish European, 0.001%; no homozygotes.

Submission:

CeGaT Center for Human Genetics Tuebingen
Classification: Uncertain significance. Last evaluated: 2023-10-01. Review status: criteria provided, single submitter. Criteria: CeGaT Center For Human Genetics Tuebingen Variant Classification Criteria Version 2. Collection method: clinical testing. Allele origin: germline. Affected: yes. Observed: 1 variant allele.
Comment: PLCE1: PM2, BP4

NM_016341.4(PLCE1):c.3677+7T>C

Gene: PLCE1 (phospholipase C epsilon 1; plus strand). Cytogenetic location: 10q23.33.
Variant type: single nucleotide variant.
Coding change: c.3677+7T>C on transcript NM_016341.4 (MANE Select); 7 bases into the intron after coding-DNA position 3677, T replaced by C.
Molecular consequence: intron variant.
Genome position (GRCh38, 1-based): chr10:94,258,929, T>C. VCF-style: chr10-94258929-T-C. GRCh37 (hg19) VCF-style: chr10-96018686-T-C.
Other names: c.3629+7T>C (NM_001288989.2); c.2753+7T>C (NM_001165979.2).
Identifiers: ClinVar variation 2640703 (VCV002640703.24), dbSNP rs2496258029, ClinGen allele CA2610237767.
Genomic context (GRCh38, chr10:94,258,929, plus strand): 5'-TTCAGATAGCAACATGAGTTTTGTTGAATTTGTTGAGCTGTTCAAATCATTCAGGTACAG[T>C]CTTATGTTTCCTTCTTATTCTTTCTCAGGCCCCCCCATTTCTATAAAGATACTCAATGAG-3'